The following is an entry in ClinVar:

ClinVar aggregate classification (germline): Likely benign (1 of 4 stars; one submission).

Conditions:
Familial thoracic aortic aneurysm and aortic dissection (TAAD). Also called: Thoracic aortic aneurysms and dissections. Identifiers: Orphanet 91387, MedGen C4707243, MONDO:0019625.

Submission:

All of Us Research Program, National Institutes of Health
Classification: Likely benign for Familial thoracic aortic aneurysm and aortic dissection. Last evaluated: 2023-06-08. Review status: criteria provided, single submitter. Criteria: ACMG Guidelines, 2015. Collection method: clinical testing. Allele origin: germline. Inheritance: Autosomal dominant inheritance. Observed: 1 variant allele, 1 heterozygote.
Comment: This study involves interpretation of variants in research participants for the purpose of population health screening. Participant phenotype was not available at the time of variant classification. Additional details can be found in publication PMID: 35346344, PMCID: PMC8962531

NM_002474.3(MYH11):c.4824G>A (p.Glu1608=)

Genes: MYH11 (myosin heavy chain 11; minus strand), NDE1 (nudE neurodevelopment protein 1; plus strand). Cytogenetic location: 16p13.11.
Variant type: single nucleotide variant.
Coding change: c.4824G>A on transcript NM_002474.3 (MANE Select); coding-DNA position 4824, G replaced by A.
Protein change: p.Glu1608=; no amino-acid change (glutamic acid 1608 retained).
Molecular consequence: synonymous variant. On other transcripts: intron variant (2).
Genome position (GRCh38, 1-based): chr16:15,720,280, C>T on the plus strand (G>A on the coding strand, the complement: MYH11 is on the minus strand). VCF-style: chr16-15720280-C-T. GRCh37 (hg19) VCF-style: chr16-15814137-C-T.
Other names: c.4845G>A, p.Glu1615= (NM_001040113.2, NM_001040114.2); c.4824G>A, p.Glu1608= (NM_022844.3); c.948-3911C>T (NM_001143979.2, NM_017668.3).
Identifiers: ClinVar variation 3071663 (VCV003071663.1), dbSNP rs2506114017, ClinGen allele CA493757286.